The following is an entry in ClinVar:

ClinVar aggregate classification (germline): Pathogenic (1 of 4 stars; one submission).

Conditions:
Autosomal recessive nonsyndromic hearing loss 89. Also called: Deafness, autosomal recessive 89. Identifiers: Orphanet 90636, MedGen C3151351, MONDO:0013489, OMIM 613916.

Submission:

MVZ Medizinische Genetik Mainz
Classification: Pathogenic for Autosomal recessive nonsyndromic hearing loss 89. Last evaluated: 2024-01-17. Review status: criteria provided, single submitter. Criteria: UK Practice Guidelines For Variant Classification V4 01 2020. Collection method: clinical testing. Allele origin: germline. Inheritance: Autosomal recessive inheritance. Affected: yes. Observed: 1 variant allele.
Comment: ACMG Criteria: PVS1,PM2_SUP,PP4; Compound Heterozygote

NM_005548.3(KARS1):c.336T>G (p.Tyr112Ter)

Gene: KARS1 (lysyl-tRNA synthetase 1; minus strand). Cytogenetic location: 16q23.1.
Variant type: single nucleotide variant.
Coding change: c.336T>G on transcript NM_005548.3 (MANE Select); coding-DNA position 336, T replaced by G.
Protein change: p.Tyr112Ter; replaces tyrosine 112 with a stop codon.
Molecular consequence: nonsense. On other transcripts: 5 prime UTR variant (1).
Genome position (GRCh38, 1-based): chr16:75,640,236, A>C on the plus strand (T>G on the coding strand, the complement: KARS1 is on the minus strand). VCF-style: chr16-75640236-A-C. GRCh37 (hg19) VCF-style: chr16-75674134-A-C.
Other names: c.420T>G, p.Tyr140Ter (NM_001130089.2); c.-133T>G (NM_001378148.1); short protein forms Y112*, Y140*.
Identifiers: ClinVar variation 3236113 (VCV003236113.1), dbSNP rs760134437, ClinGen allele CA396815664.